The following is an entry in ClinVar:

ClinVar aggregate classification (germline): Pathogenic. Review status: criteria provided, multiple submitters, no conflicts (2 of 4 stars). 4 submissions from 4 submitters: Pathogenic (4). Last evaluated 2025-02-20.

Conditions:
Familial hypokalemia-hypomagnesemia (GTLMNS). Also called: HYPOMAGNESEMIA-HYPOKALEMIA, PRIMARY RENOTUBULAR, WITH HYPOCALCIURIA; POTASSIUM AND MAGNESIUM DEPLETION; gitelman syndrome. Identifiers: Orphanet 358, MedGen C0268450, MONDO:0009904, OMIM 263800.

Allele frequency attached by ClinVar (database versions not stated): TOPMed 0.00001; ExAC 0.00004; gnomAD 0.00001; gnomAD exomes 0.00001 and 0.00003.
gnomAD v4.1: 22 of 1,613,894 alleles (0.0014%); highest among the groups gnomAD compares: Non-Finnish European, 0.0019%; no homozygotes.

Submissions (4):

Labcorp Genetics (formerly Invitae), Labcorp
Classification: Pathogenic. Last evaluated: 2025-02-20. Review status: criteria provided, single submitter. Criteria: Invitae Variant Classification Sherloc (09022015). Collection method: clinical testing. Allele origin: germline.
Comment: This sequence change replaces threonine, which is neutral and polar, with proline, which is neutral and non-polar, at codon 304 of the SLC12A3 protein (p.Thr304Pro). This variant is present in population databases (rs753840283, gnomAD 0.006%). This missense change has been observed in individuals with Gitelman syndrome (PMID: 10988270, 21753071, 31672324). This variant is also known as 935A>C. ClinVar contains an entry for this variant (Variation ID: 1454112). Invitae Evidence Modeling of protein sequence and biophysical properties (such as structural, functional, and spatial information, amino acid conservation, physicochemical variation, residue mobility, and thermodynamic stability) indicates that this missense variant is expected to disrupt SLC12A3 protein function with a positive predictive value of 95%. This variant disrupts the p.Thr304 amino acid residue in SLC12A3. Other variant(s) that disrupt this residue have been determined to be pathogenic (PMID: 19451210, 25112827, 30413979, 31672324). This suggests that this residue is clinically significant, and that variants that disrupt this residue are likely to be disease-causing. For these reasons, this variant has been classified as Pathogenic.

Natera, Inc.
Classification: Pathogenic for Gitelman syndrome. Last evaluated: 2024-11-27. Review status: criteria provided, single submitter. Criteria: Natera Variant Classification Schema (03/2026). Collection method: clinical testing. Allele origin: germline.
Comment: The c.910A>C variant in SLC12A3 is a missense variant predicted to cause substitution of threonine to proline at amino acid 304. This variant is rare in the general population with a frequency below the threshold expected for the associated phenotype(s). This variant has been observed in one or more individuals affected with the associated recessive disease, as either homozygous or compound heterozygous with a second variant (PMID: 22009145, 31672324, 21415153). A different variant at the same position has been determined to be Pathogenic or Likely Pathogenic. Computational prediction algorithms indicate this variant is likely to affect gene or protein function. Given the available evidence, this variant is classified as Pathogenic.

Fulgent Genetics
Classification: Pathogenic for Familial hypokalemia-hypomagnesemia. Last evaluated: 2024-06-12. Review status: criteria provided, single submitter. Criteria: ACMG Guidelines, 2015. Collection method: clinical testing. Allele origin: germline.

MVZ Medizinische Genetik Mainz
Classification: Pathogenic for Familial hypokalemia-hypomagnesemia. Last evaluated: 2024-01-15. Review status: criteria provided, single submitter. Criteria: UK Practice Guidelines For Variant Classification V4 01 2020. Collection method: clinical testing. Allele origin: germline. Inheritance: Autosomal recessive inheritance. Affected: yes. Observed: 1 variant allele.
Comment: ACMG Criteria: PM3_STR,PM5,PP3_MOD,PM2_SUP,PP4

Literature cited by the submitters: PubMed 10988270 (cited by Labcorp Genetics (formerly Invitae), Labcorp); PubMed 21753071 (cited by Labcorp Genetics (formerly Invitae), Labcorp); PubMed 31672324 (cited by Labcorp Genetics (formerly Invitae), Labcorp and Natera, Inc.); PubMed 19451210 (cited by Labcorp Genetics (formerly Invitae), Labcorp); PubMed 25112827 (cited by Labcorp Genetics (formerly Invitae), Labcorp); PubMed 30413979 (cited by Labcorp Genetics (formerly Invitae), Labcorp); PubMed 22009145 (cited by Natera, Inc.); PubMed 21415153 (cited by Natera, Inc.).

NM_001126108.2(SLC12A3):c.910A>C (p.Thr304Pro)

Gene: SLC12A3 (solute carrier family 12 member 3; plus strand). Cytogenetic location: 16q13.
Variant type: single nucleotide variant.
Coding change: c.910A>C on transcript NM_001126108.2 (MANE Select); coding-DNA position 910, A replaced by C.
Protein change: p.Thr304Pro; replaces threonine 304 with proline.
Molecular consequence: missense variant.
Genome position (GRCh38, 1-based): chr16:56,872,408, A>C. VCF-style: chr16-56872408-A-C. GRCh37 (hg19) VCF-style: chr16-56906320-A-C.
Other names: c.910A>C, p.Thr304Pro (NM_000339.3); c.907A>C, p.Thr303Pro (NM_001126107.2); c.910A>C (NM_000339.2); short protein forms T304P, T303P.
Identifiers: ClinVar variation 1454112 (VCV001454112.9), dbSNP rs753840283, ClinGen allele CA8069259.
Genomic context (GRCh38, chr16:56,872,408, plus strand): 5'-CAGGCCCAGGTGCTGTTCTTCCTTGTCATCATGGTCTCCTTTGCCAACTATTTAGTGGGG[A>C]CGCTGATCCCCCCATCTGAGGACAAGGCCTCCAAAGGCTTCTTCAGCTACCGGGGTATGT-3'
Protein context (NP_001119580.2, residues 294-314): MVSFANYLVG[Thr304Pro]LIPPSEDKAS